The following is an entry in ClinVar:

NM_005869.4(CWC27):c.443A>G (p.Asp148Gly)

Gene: CWC27 (CWC27 spliceosome associated cyclophilin; plus strand). Cytogenetic location: 5q12.3.
Variant type: single nucleotide variant.
Coding change: c.443A>G on transcript NM_005869.4 (MANE Select); coding-DNA position 443, A replaced by G.
Protein change: p.Asp148Gly; replaces aspartic acid 148 with glycine.
Molecular consequence: missense variant.
Genome position (GRCh38, 1-based): chr5:64,785,527, A>G. VCF-style: chr5-64785527-A-G. GRCh37 (hg19) VCF-style: chr5-64081354-A-G.
Other names: c.443A>G, p.Asp148Gly (NM_001297644.1, NM_001297645.2, NM_001318000.2 and 1 more transcripts); short protein forms D148G.
Identifiers: ClinVar variation 4533763 (VCV004533763.6).

ClinVar aggregate classification (germline): Uncertain significance (1 of 4 stars; one submission).

Submission:

CeGaT Center for Human Genetics Tuebingen
Classification: Uncertain significance. Last evaluated: 2025-10-01. Review status: criteria provided, single submitter. Criteria: CeGaT Center For Human Genetics Tuebingen Variant Classification Criteria Version 2. Collection method: clinical testing. Allele origin: germline. Affected: yes. Observed: 1 variant allele.
Comment: CWC27: PM2, BP4